The following is an entry in ClinVar:

ClinVar aggregate classification (germline): Uncertain significance (1 of 4 stars; one submission).

Submission:

GeneDx
Classification: Uncertain significance. Last evaluated: 2023-07-18. Review status: criteria provided, single submitter. Criteria: GeneDx Variant Classification Process June 2021. Collection method: clinical testing. Allele origin: germline. Affected: yes.
Comment: Not observed at significant frequency in large population cohorts (gnomAD); In silico analysis supports that this missense variant has a deleterious effect on protein structure/function; Has not been previously published as pathogenic or benign to our knowledge

NM_024596.5(MCPH1):c.1956G>C (p.Met652Ile)

Gene: MCPH1 (microcephalin 1; plus strand). Cytogenetic location: 8p23.1.
Variant type: single nucleotide variant.
Coding change: c.1956G>C on transcript NM_024596.5 (MANE Select); coding-DNA position 1956, G replaced by C.
Protein change: p.Met652Ile; replaces methionine 652 with isoleucine.
Molecular consequence: missense variant. On other transcripts: intron variant (1).
Genome position (GRCh38, 1-based): chr8:6,477,614, G>C. VCF-style: chr8-6477614-G-C. GRCh37 (hg19) VCF-style: chr8-6335135-G-C.
Other names: c.1956G>C, p.Met652Ile (NM_001322042.2, NM_001363979.1, NM_001410916.1 and 1 more transcripts); c.1935+22362G>C (NM_001363980.2); short protein forms M652I.
Identifiers: ClinVar variation 3360957 (VCV003360957.1).